The following is an entry in ClinVar:

ClinVar aggregate classification (germline): Likely benign (0 of 4 stars; one submission).

Conditions:
VPS51-related disorder. Also called: VPS51-related condition.

Allele frequency attached by ClinVar (database versions not stated): ExAC 0.00001; gnomAD exomes 0.00004; ESP Exome Variant Server 0.00015; TOPMed 0.00018; gnomAD 0.00019.
gnomAD v4.1: 83 of 1,605,306 alleles (0.0052%); highest among the groups gnomAD compares: Admixed American, 0.052%; no homozygotes.

Submission:

PreventionGenetics, part of Exact Sciences
Classification: Likely benign for VPS51-related condition. Last evaluated: 2020-10-27. Review status: no assertion criteria provided. Collection method: clinical testing. Allele origin: germline.
Comment: This variant is classified as likely benign based on ACMG/AMP sequence variant interpretation guidelines (Richards et al. 2015 PMID: 25741868, with internal and published modifications).

NM_013265.4(VPS51):c.420C>T (p.Ala140=)

Gene: VPS51 (VPS51 subunit of GARP complex; plus strand). Cytogenetic location: 11q13.1.
Variant type: single nucleotide variant.
Coding change: c.420C>T on transcript NM_013265.4 (MANE Select); coding-DNA position 420, C replaced by T.
Protein change: p.Ala140=; no amino-acid change (alanine 140 retained).
Molecular consequence: synonymous variant. On other transcripts: non-coding transcript variant (1).
Genome position (GRCh38, 1-based): chr11:65,107,642, C>T. VCF-style: chr11-65107642-C-T. GRCh37 (hg19) VCF-style: chr11-64875114-C-T.
Identifiers: ClinVar variation 3036541 (VCV003036541.2), dbSNP rs144604807, ClinGen allele CA6090340.